The following is an entry in ClinVar:

ClinVar aggregate classification (germline): Uncertain significance. Review status: criteria provided, multiple submitters, no conflicts (2 of 4 stars). 4 submissions from 4 submitters: Uncertain significance (4). Last evaluated 2025-07-02.

Conditions:
Periventricular nodular heterotopia 7 (PVNH7). Identifiers: MedGen C4310669, MONDO:0014966, OMIM 617201.
Inborn genetic diseases. Identifiers: MedGen C0950123, MeSH D030342.

Allele frequency attached by ClinVar (database versions not stated): gnomAD 0.00001 and 0.00002; gnomAD exomes 0.00002; TOPMed 0.00002.
gnomAD v4.1: 27 of 1,613,190 alleles (0.0017%); highest among the groups gnomAD compares: Admixed American, 0.005%; no homozygotes.

Submissions (4):

Labcorp Genetics (formerly Invitae), Labcorp
Classification: Uncertain significance. Last evaluated: 2025-07-02. Review status: criteria provided, single submitter. Criteria: Invitae Variant Classification Sherloc (09022015). Collection method: clinical testing. Allele origin: germline.
Comment: This sequence change replaces asparagine, which is neutral and polar, with serine, which is neutral and polar, at codon 466 of the NEDD4L protein (p.Asn466Ser). This variant is present in population databases (no rsID available, gnomAD 0.006%). This variant has not been reported in the literature in individuals affected with NEDD4L-related conditions. ClinVar contains an entry for this variant (Variation ID: 950223). An algorithm developed to predict the effect of missense changes on protein structure and function (PolyPhen-2) suggests that this variant is likely to be tolerated. In summary, the available evidence is currently insufficient to determine the role of this variant in disease. Therefore, it has been classified as a Variant of Uncertain Significance.

Women's Health and Genetics/Laboratory Corporation of America, LabCorp
Classification: Uncertain significance. Last evaluated: 2025-02-24. Review status: criteria provided, single submitter. Criteria: LabCorp Variant Classification Summary - May 2015. Collection method: clinical testing. Allele origin: germline.
Comment: Variant summary: NEDD4L c.1457A>G (p.Asn486Ser) results in a conservative amino acid change in the encoded protein sequence. Four of five in-silico tools predict a benign effect of the variant on protein function. The variant allele was found at a frequency of 1.2e-05 in 249106 control chromosomes. The available data on variant occurrences in the general population are insufficient to allow any conclusion about variant significance. To our knowledge, no occurrence of c.1457A>G in individuals affected with Periventricular Nodular Heterotopia 7 and no experimental evidence demonstrating its impact on protein function have been reported. ClinVar contains an entry for this variant (Variation ID: 950223). Based on the evidence outlined above, the variant was classified as uncertain significance.

Ambry Genetics
Classification: Uncertain significance for Inborn genetic diseases. Last evaluated: 2024-03-01. Review status: criteria provided, single submitter. Criteria: Ambry Variant Classification Scheme 2023. Collection method: clinical testing. Allele origin: germline.

Fulgent Genetics
Classification: Uncertain significance for Periventricular nodular heterotopia 7. Last evaluated: 2022-03-09. Review status: criteria provided, single submitter. Criteria: ACMG Guidelines, 2015. Collection method: clinical testing. Allele origin: unknown.

NM_001144967.3(NEDD4L):c.1457A>G (p.Asn486Ser)

Gene: NEDD4L (NEDD4 like E3 ubiquitin protein ligase; plus strand). Cytogenetic location: 18q21.31.
Variant type: single nucleotide variant.
Coding change: c.1457A>G on transcript NM_001144967.3 (MANE Select); coding-DNA position 1457, A replaced by G.
Protein change: p.Asn486Ser; replaces asparagine 486 with serine.
Molecular consequence: missense variant.
Genome position (GRCh38, 1-based): chr18:58,342,985, A>G. VCF-style: chr18-58342985-A-G. GRCh37 (hg19) VCF-style: chr18-56010217-A-G.
Other names: c.1094A>G, p.Asn365Ser (NM_001144964.1, NM_001144965.2, NM_001144966.3); c.1433A>G, p.Asn478Ser (NM_001144968.2); c.1373A>G, p.Asn458Ser (NM_001144969.2); c.1034A>G, p.Asn345Ser (NM_001144970.3, NM_001144971.2); c.1265A>G, p.Asn422Ser (NM_001243960.2); c.1397A>G, p.Asn466Ser (NM_015277.6); short protein forms N478S, N345S, N365S, N458S, N466S, N486S, N422S.
Identifiers: ClinVar variation 950223 (VCV000950223.10), dbSNP rs965302278, ClinGen allele CA300873592.